The following is an entry in ClinVar:

ClinVar aggregate classification (germline): Pathogenic. Review status: reviewed by expert panel (3 of 4 stars). 6 submissions from 6 submitters: Pathogenic (1). 5 of the submissions do not count toward it. Last evaluated 2016-09-08.

Conditions:
Hereditary cancer-predisposing syndrome. Also called: Tumor predisposition; Neoplastic Syndromes, Hereditary; Hereditary Cancer Syndrome; Hereditary neoplastic syndrome. Identifiers: Orphanet 140162, MedGen C0027672, MeSH D009386, MONDO:0015356.
Hereditary breast ovarian cancer syndrome. Also called: Hereditary breast and ovarian cancer syndrome (HBOC); Hereditary breast and ovarian cancer syndrome; Hereditary breast and ovarian cancer; Hereditary breast and/or ovarian cancer syndrome; Breast and ovarian cancer; BRCA1- and BRCA2-Associated Hereditary Breast and Ovarian Cancer. Identifiers: Orphanet 145, MedGen C0677776, MeSH D061325, MONDO:0003582. Disease mechanism: loss of function.
Breast-ovarian cancer, familial, susceptibility to, 1 (BROVCA1). Also called: OVARIAN CANCER, SUSCEPTIBILITY TO; BRCA1 Hereditary Breast and Ovarian Cancer. Identifiers: Orphanet 145, MedGen C2676676, MONDO:0011450, OMIM 604370. Disease mechanism: loss of function.

Submissions (6):

Evidence-based Network for the Interpretation of Germline Mutant Alleles (ENIGMA)
Classification: Pathogenic for Breast-ovarian cancer, familial, susceptibility to, 1. Last evaluated: 2016-09-08. Review status: reviewed by expert panel. Criteria: ENIGMA BRCA1/2 Classification Criteria (2015). Collection method: curation. Allele origin: germline.
Comment: Variant allele predicted to encode a truncated non-functional protein.

Hereditary Cancer Laboratory, Hospital Universitario 12 de Octubre
Classification: Pathogenic for Hereditary cancer-predisposing syndrome. Last evaluated: 2024-08-18. Review status: criteria provided, single submitter. Criteria: ACMG Guidelines, 2015. Collection method: clinical testing. Allele origin: germline. Not counted in ClinVar's aggregate classification.
Comment: PVS1+PM2+PP5

Ambry Genetics
Classification: Pathogenic for Hereditary cancer-predisposing syndrome. Last evaluated: 2016-04-17. Review status: criteria provided, single submitter. Criteria: Ambry Variant Classification Scheme 2023. Collection method: clinical testing. Allele origin: germline. Not counted in ClinVar's aggregate classification.
Comment: The c.329_330delAG pathogenic mutation, located in coding exon 5 of the BRCA1 gene, results from a deletion of two nucleotides between nucleotide positions 329 and 330, causing a translational frameshift with a predicted alternate stop codon. Since frameshifts are typically deleterious in nature, this alteration is interpreted as a disease-causing mutation (ACMG Recommendations for Standards for Interpretation and Reporting of Sequence Variations. Revision 2007. Genet Med. 2008;10:294).

Research Molecular Genetics Laboratory, Women's College Hospital, University of Toronto
Classification: Pathogenic for Hereditary breast ovarian cancer syndrome. Last evaluated: 2014-01-31. Review status: no assertion criteria provided. Collection method: research. Allele origin: germline. Affected: yes. Study: The Canadian Open Genetics Repository (COGR). Not counted in ClinVar's aggregate classification.

Sharing Clinical Reports Project (SCRP)
Classification: Pathogenic for Breast-ovarian cancer, familial 1. Last evaluated: 2012-05-01. Review status: no assertion criteria provided. Collection method: clinical testing. Allele origin: germline. Not counted in ClinVar's aggregate classification.

Breast Cancer Information Core (BIC) (BRCA1)
Classification: Pathogenic for Breast-ovarian cancer, familial 1. Last evaluated: 1997-11-14. Review status: no assertion criteria provided. Collection method: clinical testing. Allele origin: germline. Affected: yes. Observed: 1 variant allele. Not counted in ClinVar's aggregate classification.

Literature cited by the submitters: PubMed 9667259 (cited by Ambry Genetics).

NM_007294.4(BRCA1):c.329_330del (p.Lys110fs)

Gene: BRCA1 (BRCA1 DNA repair associated; minus strand). Cytogenetic location: 17q21.31.
Variant type: Deletion.
Coding change: c.329_330del on transcript NM_007294.4 (MANE Select); coding-DNA positions 329 to 330, 2 bases deleted (AG; older notation c.329_330delAG).
Protein change: p.Lys110fs; shifts the reading frame from lysine 110.
Molecular consequence: frameshift variant. On other transcripts: non-coding transcript variant (1).
Genome position (GRCh38, 1-based): chr17:43,104,233-43,104,234, CT deleted on the plus strand (AG on the coding strand, the reverse complement: BRCA1 is on the minus strand). VCF-style (leftmost placement, unchanged base first): chr17-43104232-CCT-C. GRCh37 (hg19) VCF-style: chr17-41256249-CCT-C.
Other names: 448delAG; c.188_189delAG, p.Lys63Argfs (NM_001407750.1, NM_001407751.1, NM_001407752.1 and 98 more transcripts); c.119_120delAG, p.Lys40Argfs (NM_001407853.1, NM_001407879.1, NM_001407881.1 and 58 more transcripts); c.329_330delAG, p.Lys110Argfs (NM_001407854.1, NM_001407858.1, NM_001407859.1 and 163 more transcripts); c.251_252delAG, p.Lys84Argfs (NM_001407862.1, NM_001407874.1, NM_001407875.1 and 21 more transcripts); c.-53_-52delAG (NM_001407959.1, NM_001407960.1, NM_001407962.1 and 4 more transcripts); c.320_321delAG, p.Lys107Argfs (NM_001408408.1, NM_001407646.1, NM_001407647.1); c.197_198delAG, p.Lys66Argfs (NM_001408451.1); and 2 more; short protein forms K110fs, K63fs.
Identifiers: ClinVar variation 54826 (VCV000054826.9), dbSNP rs80357754, ClinGen allele CA002125.